The following is an entry in ClinVar:

ClinVar aggregate classification (germline): Benign (1 of 4 stars; one submission).

Conditions:
Breast-ovarian cancer, familial, susceptibility to, 3. Also called: RAD51C-Related Breast/Ovarian Cancer. Identifiers: Orphanet 145, MedGen C3150659, MONDO:0013253, OMIM 613399.

Submission:

Myriad Genetics, Inc.
Classification: Benign for Breast-ovarian cancer, familial, susceptibility to, 3. Last evaluated: 2025-02-14. Review status: criteria provided, single submitter. Criteria: Myriad Autosomal Dominant, Autosomal Recessive and X-Linked Classification Criteria (2023). Collection method: clinical testing. Allele origin: unknown.
Comment: This variant is considered benign. This variant is a silent/synonymous amino acid change and it is not expected to impact splicing.

NM_058216.3(RAD51C):c.181C>T (p.Leu61=)

Gene: RAD51C (RAD51 paralog C; plus strand). Cytogenetic location: 17q22.
Variant type: single nucleotide variant.
Coding change: c.181C>T on transcript NM_058216.3 (MANE Select); coding-DNA position 181, C replaced by T.
Protein change: p.Leu61=; no amino-acid change (leucine 61 retained).
Molecular consequence: synonymous variant. On other transcripts: non-coding transcript variant (2).
Genome position (GRCh38, 1-based): chr17:58,694,966, C>T. VCF-style: chr17-58694966-C-T. GRCh37 (hg19) VCF-style: chr17-56772327-C-T.
Other names: c.181C>T, p.Leu61= (NM_002876.4).
Identifiers: ClinVar variation 3904099 (VCV003904099.1).